The following is an entry in ClinVar:

ClinVar aggregate classification (germline): Pathogenic (1 of 4 stars; one submission).

Conditions:
Primary ciliary dyskinesia. Also called: Ciliary dyskinesia. Identifiers: Orphanet 244, MedGen C0008780, MONDO:0016575, HP:0012265.

Submission:

Labcorp Genetics (formerly Invitae), Labcorp
Classification: Pathogenic for Primary ciliary dyskinesia. Last evaluated: 2017-05-17. Review status: criteria provided, single submitter. Criteria: Invitae Variant Classification Sherloc (09022015). Collection method: clinical testing. Allele origin: germline.
Comment: This sequence change inserts 2 nucleotides in exon 54 of the DNAH8 mRNA (c.7978_7979dup), causing a frameshift at codon 2660. This creates a premature translational stop signal (p.Asp2660Glufs*29) and is expected to result in an absent or disrupted protein product. While this particular variant has not been reported in the literature, loss-of-function variants in DNAH8 are known to be pathogenic (PMID: 24307375) For these reasons, this variant has been classified as Pathogenic.

Literature cited by the submitters: PubMed 24307375.

NM_001206927.2(DNAH8):c.7978_7979dup (p.Asp2660fs)

Gene: DNAH8 (dynein axonemal heavy chain 8; plus strand). Cytogenetic location: 6p21.2.
Variant type: Duplication.
Coding change: c.7978_7979dup on transcript NM_001206927.2 (MANE Select); coding-DNA positions 7978 to 7979, 2 bases duplicated (GA; older notation c.7978_7979dupGA).
Protein change: p.Asp2660fs; shifts the reading frame from aspartic acid 2660.
Molecular consequence: frameshift variant.
Genome position (GRCh38, 1-based): chr6:38,883,029-38,883,030, GA duplicated; duplicating any 2 consecutive bases within chr6:38,883,028-38,883,030 gives the same sequence; the c. name uses the placement nearest the transcript's 3' end. VCF-style (leftmost placement, unchanged base first): chr6-38883027-T-TAG. GRCh37 (hg19) VCF-style: chr6-38850803-T-TAG.
Other names: c.7327_7328dup, p.Asp2443fs (NM_001371.4); short protein forms D2443fs, D2660fs.
Identifiers: ClinVar variation 454597 (VCV000454597.7), dbSNP rs753496815, ClinGen allele CA3790054.